The following is an entry in ClinVar:

NC_000001.10:g.(?_116243862)_(116311162_?)dup

Gene: CASQ2 (calsequestrin 2; minus strand). Cytogenetic location: 1p13.1.
Variant type: Duplication.
Identifiers: ClinVar variation 2423986 (VCV002423986.3).

ClinVar aggregate classification (germline): Uncertain significance (1 of 4 stars; one submission).

Conditions:
Catecholaminergic polymorphic ventricular tachycardia 1. Also called: VENTRICULAR TACHYCARDIA, CATECHOLAMINERGIC POLYMORPHIC, 1, WITH OR WITHOUT ATRIAL DYSFUNCTION AND/OR DILATED CARDIOMYOPATHY; RYR2-Related Catecholaminergic Polymorphic Ventricular Tachycardia; VENTRICULAR TACHYCARDIA, STRESS-INDUCED POLYMORPHIC 1. Identifiers: Orphanet 3286, MedGen C1631597, MONDO:0011484, OMIM 604772.

Submission:

Labcorp Genetics (formerly Invitae), Labcorp
Classification: Uncertain significance for Catecholaminergic polymorphic ventricular tachycardia 1. Last evaluated: 2022-04-12. Review status: criteria provided, single submitter. Criteria: Invitae Variant Classification Sherloc (09022015). Collection method: clinical testing. Allele origin: germline.
Comment: A copy number gain of the genomic region encompassing the full coding sequence of the CASQ2 gene has been identified. The boundaries of this event are unknown as they extend beyond the assayed region for this gene and therefore may encompass additional genes. As the precise location of this event is unknown, it may be in tandem or it may be located elsewhere in the genome. This variant has not been reported in the literature in individuals affected with CASQ2-related conditions. In summary, the available evidence is currently insufficient to determine the role of this variant in disease. Therefore, it has been classified as a Variant of Uncertain Significance.